The following is an entry in ClinVar:

ClinVar aggregate classification (germline): Likely pathogenic (1 of 4 stars; one submission).

Conditions:
Dilated cardiomyopathy 1G (CMD1G). Identifiers: Orphanet 154, MedGen C1858763, MONDO:0011400, OMIM 604145.
Autosomal recessive limb-girdle muscular dystrophy type 2J (LGMDR10). Also called: Limb-girdle muscular dystrophy, type 2J; MUSCULAR DYSTROPHY, LIMB-GIRDLE, AUTOSOMAL RECESSIVE 10. Identifiers: Orphanet 140922, MedGen C1837342, MONDO:0012127, OMIM 608807.

Allele frequency attached by ClinVar (database versions not stated): gnomAD exomes below 0.00001.

Submission:

Labcorp Genetics (formerly Invitae), Labcorp
Classification: Likely pathogenic for Dilated cardiomyopathy 1G; Autosomal recessive limb-girdle muscular dystrophy type 2J. Last evaluated: 2024-10-18. Review status: criteria provided, single submitter. Criteria: Invitae Variant Classification Sherloc (09022015). Collection method: clinical testing. Allele origin: germline.
Comment: This sequence change creates a premature translational stop signal (p.Arg6237Glyfs*18) in the TTN gene. While this is not anticipated to result in nonsense mediated decay, it is expected to create a truncated TTN protein. This variant is not present in population databases (gnomAD no frequency). This variant has not been reported in the literature in individuals affected with TTN-related conditions. This variant is located in the I band of TTN (PMID: 25589632). Truncating variants in this region have been reported in individuals affected with autosomal recessive centronuclear myopathy (PMID: 23975875, internal data). Truncating variants in this region have also been identified in individuals affected with autosomal dominant dilated cardiomyopathy and/or cardio-related conditions (PMID: 27869827, 32964742, internal data). In summary, the currently available evidence indicates that the variant is pathogenic, but additional data are needed to prove that conclusively. Therefore, this variant has been classified as Likely Pathogenic.

Literature cited by the submitters: PubMed 25589632; PubMed 23975875; PubMed 27869827; PubMed 32964742.

NM_001267550.2(TTN):c.18709_18710del (p.Arg6237fs)

Genes: TTN (titin; minus strand), LOC126806430 (BRD4-independent group 4 enhancer GRCh37_chr2:179593794-179594993; plus strand). Cytogenetic location: 2q31.2.
Variant type: Deletion.
Coding change: c.18709_18710del on transcript NM_001267550.2 (MANE Select); coding-DNA positions 18709 to 18710, 2 bases deleted (AG; older notation c.18709_18710delAG).
Protein change: p.Arg6237fs; shifts the reading frame from arginine 6237.
Molecular consequence: frameshift variant. On other transcripts: intron variant (3).
Genome position (GRCh38, 1-based): chr2:178,729,446-178,729,447, CT deleted on the plus strand (AG on the coding strand, the reverse complement: TTN is on the minus strand). VCF-style (leftmost placement, unchanged base first): chr2-178729445-CCT-C. GRCh37 (hg19) VCF-style: chr2-179594172-CCT-C.
Other names: c.17758_17759del, p.Arg5920fs (NM_001256850.1); c.14977_14978del, p.Arg4993fs (NM_133378.4); c.13282+8635_13282+8636del (NM_003319.4); c.13858+8635_13858+8636del (NM_133437.4); c.13657+8635_13657+8636del (NM_133432.3); short protein forms R6237fs, R4993fs, R5920fs.
Identifiers: ClinVar variation 2951240 (VCV002951240.3), dbSNP rs2529929830, ClinGen allele CA2662152354.